The following is an entry in ClinVar:

NM_000297.4(PKD2):c.2341G>A (p.Asp781Asn)

Gene: PKD2 (polycystin 2, transient receptor potential cation channel; plus strand). Cytogenetic location: 4q22.1.
Variant type: single nucleotide variant.
Coding change: c.2341G>A on transcript NM_000297.4 (MANE Select); coding-DNA position 2341, G replaced by A.
Protein change: p.Asp781Asn; replaces aspartic acid 781 with asparagine.
Molecular consequence: missense variant. On other transcripts: non-coding transcript variant (1).
Genome position (GRCh38, 1-based): chr4:88,065,862, G>A. VCF-style: chr4-88065862-G-A. GRCh37 (hg19) VCF-style: chr4-88987014-G-A.
Other names: c.2116G>A, p.Asp706Asn (NM_001440544.1); short protein forms D781N, D706N.
Identifiers: ClinVar variation 4705892 (VCV004705892.1).

ClinVar aggregate classification (germline): Uncertain significance (1 of 4 stars; one submission).

Conditions:
Autosomal dominant polycystic kidney disease. Identifiers: Orphanet 730, MedGen C0085413, MONDO:0004691.

gnomAD v4.1: 40 of 1,607,618 alleles (0.0025%); highest among the groups gnomAD compares: East Asian, 0.076%; no homozygotes.

Submission:

Labcorp Genetics (formerly Invitae), Labcorp
Classification: Uncertain significance for Autosomal dominant polycystic kidney disease. Last evaluated: 2025-03-31. Review status: criteria provided, single submitter. Criteria: Invitae Variant Classification Sherloc (09022015). Collection method: clinical testing. Allele origin: germline.
Comment: This sequence change replaces aspartic acid, which is acidic and polar, with asparagine, which is neutral and polar, at codon 781 of the PKD2 protein (p.Asp781Asn). This variant is present in population databases (rs142360839, gnomAD 0.02%). This variant has not been reported in the literature in individuals affected with PKD2-related conditions. Invitae Evidence Modeling of protein sequence and biophysical properties (such as structural, functional, and spatial information, amino acid conservation, physicochemical variation, residue mobility, and thermodynamic stability) has been performed for this missense variant. However, the output from this modeling did not meet the statistical confidence thresholds required to predict the impact of this variant on PKD2 protein function. In summary, the available evidence is currently insufficient to determine the role of this variant in disease. Therefore, it has been classified as a Variant of Uncertain Significance.